The following is an entry in ClinVar:

ClinVar aggregate classification (germline): Uncertain significance (1 of 4 stars; one submission).

Submission:

Labcorp Genetics (formerly Invitae), Labcorp
Classification: Uncertain significance. Last evaluated: 2022-05-12. Review status: criteria provided, single submitter. Criteria: Invitae Variant Classification Sherloc (09022015). Collection method: clinical testing. Allele origin: germline.
Comment: In summary, the available evidence is currently insufficient to determine the role of this variant in disease. Therefore, it has been classified as a Variant of Uncertain Significance. Algorithms developed to predict the effect of missense changes on protein structure and function (SIFT, PolyPhen-2, Align-GVGD) all suggest that this variant is likely to be tolerated. This variant has not been reported in the literature in individuals affected with SAMD9-related conditions. This variant is not present in population databases (gnomAD no frequency). This sequence change replaces tyrosine, which is neutral and polar, with phenylalanine, which is neutral and non-polar, at codon 1299 of the SAMD9 protein (p.Tyr1299Phe).

NM_017654.4(SAMD9):c.3896A>T (p.Tyr1299Phe)

Gene: SAMD9 (sterile alpha motif domain containing 9; minus strand). Cytogenetic location: 7q21.2.
Variant type: single nucleotide variant.
Coding change: c.3896A>T on transcript NM_017654.4 (MANE Select); coding-DNA position 3896, A replaced by T.
Protein change: p.Tyr1299Phe; replaces tyrosine 1299 with phenylalanine.
Molecular consequence: missense variant.
Genome position (GRCh38, 1-based): chr7:93,102,202, T>A on the plus strand (A>T on the coding strand, the complement: SAMD9 is on the minus strand). VCF-style: chr7-93102202-T-A. GRCh37 (hg19) VCF-style: chr7-92731515-T-A.
Other names: c.3896A>T, p.Tyr1299Phe (NM_001193307.2); short protein forms Y1299F.
Identifiers: ClinVar variation 1993444 (VCV001993444.4), dbSNP rs2535354478, ClinGen allele CA368181918.